The following is an entry in ClinVar:

ClinVar aggregate classification (germline): Pathogenic (1 of 4 stars; one submission).

Submission:

Labcorp Genetics (formerly Invitae), Labcorp
Classification: Pathogenic. Last evaluated: 2021-10-12. Review status: criteria provided, single submitter. Criteria: Invitae Variant Classification Sherloc (09022015). Collection method: clinical testing. Allele origin: germline.
Comment: For these reasons, this variant has been classified as Pathogenic. This variant has not been reported in the literature in individuals affected with COL11A2-related conditions. This variant is not present in population databases (ExAC no frequency). This sequence change creates a premature translational stop signal (p.Gln1507*) in the COL11A2 gene. It is expected to result in an absent or disrupted protein product. Loss-of-function variants in COL11A2 are known to be pathogenic (PMID: 10677296, 21204229).

Literature cited by the submitters: PubMed 10677296; PubMed 21204229.

NM_080680.3(COL11A2):c.4519C>T (p.Gln1507Ter)

Gene: COL11A2 (collagen type XI alpha 2 chain; minus strand). Cytogenetic location: 6p21.32.
Variant type: single nucleotide variant.
Coding change: c.4519C>T on transcript NM_080680.3 (MANE Select); coding-DNA position 4519, C replaced by T.
Protein change: p.Gln1507Ter; replaces glutamine 1507 with a stop codon.
Molecular consequence: nonsense.
Genome position (GRCh38, 1-based): chr6:33,165,780, G>A on the plus strand (C>T on the coding strand, the complement: COL11A2 is on the minus strand). VCF-style: chr6-33165780-G-A. GRCh37 (hg19) VCF-style: chr6-33133557-G-A.
Other names: c.4198C>T, p.Gln1400Ter (NM_080679.3); c.4261C>T, p.Gln1421Ter (NM_080681.3); short protein forms Q1421*, Q1400*, Q1507*.
Identifiers: ClinVar variation 1452394 (VCV001452394.6), dbSNP rs377656039, ClinGen allele CA363619202.